The following is an entry in ClinVar:

ClinVar aggregate classification (germline): Likely benign. Review status: criteria provided, multiple submitters, no conflicts (2 of 4 stars). 4 submissions from 4 submitters: Likely benign (4). Last evaluated 2025-07-24.

Conditions:
Inborn genetic diseases. Identifiers: MedGen C0950123, MeSH D030342.
COL4A2-related disorder. Also called: COL4A2-related disorders; COL4A2-related condition.

Allele frequency attached by ClinVar (database versions not stated): gnomAD exomes 0.00003 and 0.00006; ESP Exome Variant Server 0.00008; ExAC 0.00009; 1000 Genomes Project 30x 0.00016; 1000 Genomes Project 0.00020; TOPMed 0.00031; gnomAD 0.00034 and 0.00037.
gnomAD v4.1: 93 of 1,612,694 alleles (0.0058%); highest among the groups gnomAD compares: African/African-American, 0.11%; no homozygotes.

Submissions (4):

Labcorp Genetics (formerly Invitae), Labcorp
Classification: Likely benign. Last evaluated: 2025-07-24. Review status: criteria provided, single submitter. Criteria: Invitae Variant Classification Sherloc (09022015). Collection method: clinical testing. Allele origin: germline.

PreventionGenetics, part of Exact Sciences
Classification: Likely benign for COL4A2-related condition. Last evaluated: 2024-12-10. Review status: criteria provided, single submitter. Criteria: ACMG Guidelines, 2015. Collection method: clinical testing. Allele origin: germline.
Comment: This variant is classified as likely benign based on ACMG/AMP sequence variant interpretation guidelines (Richards et al. 2015 PMID: 25741868, with internal and published modifications).

Blueprint Genetics
Classification: Likely benign. Last evaluated: 2024-02-19. Review status: criteria provided, single submitter. Criteria: ACMG Guidelines, 2015. Collection method: clinical testing. Allele origin: germline.

Ambry Genetics
Classification: Likely benign for Inborn genetic diseases. Last evaluated: 2022-12-19. Review status: criteria provided, single submitter. Criteria: Ambry Variant Classification Scheme 2023. Collection method: clinical testing. Allele origin: germline.

NM_001846.4(COL4A2):c.1532C>T (p.Pro511Leu)

Genes: COL4A2-AS2 (COL4A2 antisense RNA 2; minus strand), COL4A2 (collagen type IV alpha 2 chain; plus strand). Cytogenetic location: 13q34.
Variant type: single nucleotide variant.
Coding change: c.1532C>T on transcript NM_001846.4 (MANE Select); coding-DNA position 1532, C replaced by T.
Protein change: p.Pro511Leu; replaces proline 511 with leucine.
Molecular consequence: missense variant.
Genome position (GRCh38, 1-based): chr13:110,458,870, C>T. VCF-style: chr13-110458870-C-T. GRCh37 (hg19) VCF-style: chr13-111111217-C-T.
Other names: c.1532C>T (NM_001846.2); short protein forms P511L.
Identifiers: ClinVar variation 732662 (VCV000732662.12), dbSNP rs373398289, ClinGen allele CA7049617.
Genomic context (GRCh38, chr13:110,458,870, plus strand): 5'-CTATCAAAGGTCTTCCGGGACTGCCAGGACCCAAGGGCTTCGCAGGCATCAACGGGGAGC[C>T]GGGGAGGAAAGGGGACAGAGGAGACCCCGGCCAACACGGCCTCCCTGGGTTCCCAGGGCT-3'
Protein context (NP_001837.2, residues 501-521): PKGFAGINGE[Pro511Leu]GRKGDRGDPG